The following is an entry in ClinVar:

ClinVar aggregate classification (germline): Uncertain significance (1 of 4 stars; one submission).

Conditions:
PDE3A-related disorder. Also called: PDE3A-related condition.

Submission:

PreventionGenetics, part of Exact Sciences
Classification: Uncertain significance for PDE3A-related condition. Last evaluated: 2025-03-20. Review status: criteria provided, single submitter. Criteria: ACMG Guidelines, 2015. Collection method: clinical testing. Allele origin: germline.
Comment: The PDE3A c.2294G>A variant is predicted to result in premature protein termination (p.Trp765*). To our knowledge, this variant has not been reported in the literature or in a large population database (gnomAD), indicating this variant is rare. Loss-of-function variants in PDE3A are not an established mechanism of disease. At this time, the clinical significance of this variant is uncertain due to the absence of conclusive functional and genetic evidence.

NM_000921.5(PDE3A):c.2294G>A (p.Trp765Ter)

Genes: PDE3A (phosphodiesterase 3A; plus strand), LOC124629326 (Sharpr-MPRA regulatory region 13494; plus strand). Cytogenetic location: 12p12.2.
Variant type: single nucleotide variant.
Coding change: c.2294G>A on transcript NM_000921.5 (MANE Select); coding-DNA position 2294, G replaced by A.
Protein change: p.Trp765Ter; replaces tryptophan 765 with a stop codon.
Molecular consequence: nonsense.
Genome position (GRCh38, 1-based): chr12:20,646,532, G>A. VCF-style: chr12-20646532-G-A. GRCh37 (hg19) VCF-style: chr12-20799466-G-A.
Other names: c.1328G>A, p.Trp443Ter (NM_001244683.2, NM_001378409.1); c.1988G>A, p.Trp663Ter (NM_001378407.1); c.1331G>A, p.Trp444Ter (NM_001378408.1); short protein forms W765*, W443*, W444*, W663*.
Identifiers: ClinVar variation 5001618 (VCV005001618.1).